The following is an entry in ClinVar:

ClinVar aggregate classification (germline): Pathogenic/Likely pathogenic. Review status: criteria provided, multiple submitters, no conflicts (2 of 4 stars). 4 submissions from 4 submitters: Pathogenic (1); Likely pathogenic (2). 1 of the submissions does not count toward it. Last evaluated 2025-06-02.

Conditions:
Leukoencephalopathy with vanishing white matter 1 (VWM1). Also called: EIF2B1-Related Childhood Ataxia with Central Nervous System Hypomyelination/Vanishing White Matter; Cree leukoencephalopathy; Vanishing white matter leukodystrophy; CHILDHOOD ATAXIA WITH CENTRAL NERVOUS SYSTEM HYPOMYELINIZATION. Identifiers: Orphanet 99854, MedGen C5779972, MONDO:0020507, OMIM 603896.
Vanishing white matter disease. Also called: CACH syndrome; Childhood ataxia with diffuse central nervous system hypomyelination; Leukoencephalopathy with vanishing white matter; CACH/VWM syndrome; Cree leukoencehalopathy. Identifiers: Orphanet 135, Orphanet 99853, MedGen C1858991, MONDO:0800448.

Allele frequency attached by ClinVar (database versions not stated): ExAC 0.00001; gnomAD 0.00001; gnomAD exomes 0.00001; TOPMed 0.00002.
gnomAD v4.1: 8 of 1,613,510 alleles (0.0005%); highest among the groups gnomAD compares: African/African-American, 0.008%; no homozygotes.

Submissions (4):

Women's Health and Genetics/Laboratory Corporation of America, LabCorp
Classification: Pathogenic for Vanishing white matter disease. Last evaluated: 2025-06-02. Review status: criteria provided, single submitter. Criteria: LabCorp Variant Classification Summary - May 2015. Collection method: clinical testing. Allele origin: germline.
Comment: Variant summary: EIF2B3 c.89T>C (p.Val30Ala) results in a non-conservative amino acid change in the encoded protein sequence. Algorithms developed to predict the effect of missense changes on protein structure and function all suggest that this variant is likely to be disruptive. The variant allele was found at a frequency of 8e-06 in 251486 control chromosomes (gnomAD). c.89T>C has been observed in individuals affected with Leukoencephalopathy With Vanishing White Matter (Hyun_2019, Lee_2021, Nair_2024). These data indicate that the variant is likely to be associated with disease. At least one publication reports experimental evidence evaluating an impact on protein function, finding that the variant construct failed to rescue the phenotype of EIF2B3 knockout zebrafish (Lee_2021). The following publications have been ascertained in the context of this evaluation (PMID: 31072091, 33517449, 38277958). ClinVar contains an entry for this variant (Variation ID: 617677). Based on the evidence outlined above, the variant was classified as pathogenic.

Diagnostic Genetics, Severance Hospital, Yonsei University College of Medicine
Classification: Likely pathogenic for Leukoencephalopathy with vanishing white matter 1. Last evaluated: 2020-06-04. Review status: criteria provided, single submitter. Criteria: ACMG Guidelines, 2015. Collection method: clinical testing. Allele origin: inherited. Inheritance: Autosomal recessive inheritance. Affected: yes. Observed: 1 compound heterozygote.
Comment: The c.89T>C variant has been identified in 0.0007953% by the Genome Aggregation Database (gnomAD, rs752636698). This variant has been reported in the compound heterozygous state with the other EIF2B3 variant (p.Leu168Pro) in an individual affected with Leukoencephalopathy with vanishing white matter (PMID:31072091).

Neuberg Centre For Genomic Medicine, NCGM
Classification: Likely pathogenic for Leukoencephalopathy with vanishing white matter 1. Review status: criteria provided, single submitter. Criteria: ACMG Guidelines, 2015. Collection method: clinical testing. Allele origin: germline. Inheritance: Autosomal recessive inheritance. Affected: yes.
Comment: The EIF2B3 c.89T>C(p.Val30Ala) variant has been reported in an individual affected with Leukoencephalopathy with vanishing white matter (Hyun et. al., 2019). Functional studies has been done on this variant by a lab and deposited to ClinVar database as Likely Pathogenic. The p.Val30Ala variant is novel (not in any individuals) in 1000 Genomes and has allele frequency of 0.0008% in gnomAD database. The amino acid change p.Val30Ala in EIF2B3 is predicted as conserved by GERP++ and PhyloP across 100 vertebrates. The amino acid Val at position 30 is changed to a Ala changing protein sequence and it might alter its composition and physico-chemical properties. For these reasons, this variant has been classified as Likely Pathogenic.

Department of Rehabilitation Medicine, Incheon St. Mary’s Hospital, College of Medicine, The Catholic University of Korea
Classification: Uncertain significance for Leukoencephalopathy with vanishing white matter 1. Last evaluated: 2017-10-10. Review status: no assertion criteria provided. Collection method: research. Allele origin: paternal. Inheritance: Autosomal recessive inheritance. Affected: yes. Not counted in ClinVar's aggregate classification.

Literature cited by the submitters: PubMed 33517449 (cited by Women's Health and Genetics/Laboratory Corporation of America, LabCorp); PubMed 31072091 (cited by Women's Health and Genetics/Laboratory Corporation of America, LabCorp and Diagnostic Genetics, Severance Hospital, Yonsei University College of Medicine); PubMed 38277958 (cited by Women's Health and Genetics/Laboratory Corporation of America, LabCorp).

NM_020365.5(EIF2B3):c.89T>C (p.Val30Ala)

Gene: EIF2B3 (eukaryotic translation initiation factor 2B subunit gamma; minus strand). Cytogenetic location: 1p34.1.
Variant type: single nucleotide variant.
Coding change: c.89T>C on transcript NM_020365.5 (MANE Select); coding-DNA position 89, T replaced by C.
Protein change: p.Val30Ala; replaces valine 30 with alanine.
Molecular consequence: missense variant.
Genome position (GRCh38, 1-based): chr1:44,981,080, A>G on the plus strand (T>C on the coding strand, the complement: EIF2B3 is on the minus strand). VCF-style: chr1-44981080-A-G. GRCh37 (hg19) VCF-style: chr1-45446752-A-G.
Other names: c.89T>C, p.Val30Ala (NM_001166588.3, NM_001261418.2); short protein forms V30A.
Identifiers: ClinVar variation 617677 (VCV000617677.6), dbSNP rs752636698, ClinGen allele CA824107.